The following is an entry in ClinVar:

NM_001605.3(AARS1):c.2722-2A>T

Gene: AARS1 (alanyl-tRNA synthetase 1; minus strand). Cytogenetic location: 16q22.1.
Variant type: single nucleotide variant.
Coding change: c.2722-2A>T on transcript NM_001605.3 (MANE Select); the canonical splice acceptor site of the intron before coding-DNA position 2722, A replaced by T.
Molecular consequence: splice acceptor variant.
Genome position (GRCh38, 1-based): chr16:70,252,908, T>A on the plus strand (A>T on the coding strand, the complement: AARS1 is on the minus strand). VCF-style: chr16-70252908-T-A. GRCh37 (hg19) VCF-style: chr16-70286811-T-A.
Identifiers: ClinVar variation 1062015 (VCV001062015.9), dbSNP rs1273121575, ClinGen allele CA396554579.

ClinVar aggregate classification (germline): Uncertain significance (1 of 4 stars; one submission).

Conditions:
Charcot-Marie-Tooth disease type 2. Also called: Charcot-Marie-Tooth type 2. Identifiers: Orphanet 64746, MedGen C0270914, MONDO:0018993.

Submission:

Labcorp Genetics (formerly Invitae), Labcorp
Classification: Uncertain significance for Charcot-Marie-Tooth disease type 2. Last evaluated: 2020-04-11. Review status: criteria provided, single submitter. Criteria: Invitae Variant Classification Sherloc (09022015). Collection method: clinical testing. Allele origin: germline.
Comment: In summary, the available evidence is currently insufficient to determine the role of this variant in disease. Therefore, it has been classified as a Variant of Uncertain Significance. Algorithms developed to predict the effect of sequence changes on RNA splicing suggest that this variant may disrupt the consensus splice site, but this prediction has not been confirmed by published transcriptional studies. This variant has not been reported in the literature in individuals with AARS-related conditions. This variant is not present in population databases (ExAC no frequency). This sequence change affects an acceptor splice site in the last intron (intron 20) of the AARS gene. While this is not anticipated to result in nonsense mediated decay, it likely alters RNA splicing and results in a disrupted protein product.